The following is an entry in ClinVar:

NM_018941.4(CLN8):c.823G>T (p.Glu275Ter)

Gene: CLN8 (CLN8 transmembrane ER and ERGIC protein; plus strand). Cytogenetic location: 8p23.3.
Variant type: single nucleotide variant.
Coding change: c.823G>T on transcript NM_018941.4 (MANE Select); coding-DNA position 823, G replaced by T.
Protein change: p.Glu275Ter; replaces glutamic acid 275 with a stop codon.
Molecular consequence: nonsense.
Genome position (GRCh38, 1-based): chr8:1,780,529, G>T. VCF-style: chr8-1780529-G-T. GRCh37 (hg19) VCF-style: chr8-1728695-G-T.
Other names: short protein forms E275*.
Identifiers: ClinVar variation 4294018 (VCV004294018.1).

ClinVar aggregate classification (germline): Uncertain significance (1 of 4 stars; one submission).

Conditions:
Neuronal ceroid lipofuscinosis 8 (CLN8). Also called: CLN8-Related Neuronal Ceroid-Lipofuscinosis. Identifiers: Orphanet 168491, Orphanet 228354, Orphanet 79264, MedGen C1838570, MONDO:0010830, OMIM 600143.

Submission:

3billion
Classification: Uncertain significance for Neuronal ceroid lipofuscinosis 8. Last evaluated: 2024-06-25. Review status: criteria provided, single submitter. Criteria: ACMG Guidelines, 2015. Collection method: clinical testing. Allele origin: germline. Affected: yes.
Comment: The variant is not observed in the gnomAD v4.0.0 dataset. Predicted Consequence/Location: Stop-gained (nonsense): predicted to result in a loss or disruption of normal protein function through protein truncation. The predicted truncated protein may be shortened by less than 10%. Therefore, this variant is classified as VUS according to the recommendation of ACMG/AMP guideline.